The following is an entry in ClinVar:

ClinVar aggregate classification (germline): Likely pathogenic. Review status: criteria provided, multiple submitters, no conflicts (2 of 4 stars). 3 submissions from 3 submitters: Likely pathogenic (2). 1 of the submissions does not count toward it. Last evaluated 2026-01-14.

Conditions:
Developmental and epileptic encephalopathy. Identifiers: MedGen C5779964, MONDO:0100620.
Developmental and epileptic encephalopathy, 11 (DEE11). Also called: Early infantile epileptic encephalopathy 11. Identifiers: Orphanet 1934, MedGen C3150987, MONDO:0013388, OMIM 613721.

Submissions (3):

Center for Genomics, Ann and Robert H. Lurie Children's Hospital of Chicago
Classification: Likely pathogenic for Developmental and epileptic encephalopathy, 11. Last evaluated: 2026-01-14. Review status: criteria provided, single submitter. Criteria: ACMG Guidelines, 2015. Collection method: clinical testing. Allele origin: de novo. Inheritance: Autosomal dominant inheritance.
Comment: This variant has been identified as de novo in an individual with infantile onset of focal seizures and developmental delay, and with unknown inheritance in another child with seizures (Zeng 2022 PMID: 35431799; ClinVar Variation ID: 1342672). It is not present in gnomAD. This variant occurs at a position within a region that is enriched for pathogenic variants across the sodium channel gene family (Lal 2020 PMID: 32183904). Evolutionary conservation and computational prediction tools support that this variant may negatively impact protein structure and/or function. In summary, data on this variant is highly suspicious for disease, but requires further evidence for pathogenicity. Therefore, it is classified as likely pathogenic.

Centre of Medical Genetics, University Hospital Muenster
Classification: Likely pathogenic. Last evaluated: 2023-11-08. Review status: criteria provided, single submitter. Criteria: ACMG Guidelines, 2015. Collection method: clinical testing. Allele origin: unknown. Affected: yes. Observed: 1 variant allele, 1 heterozygote.
Comment: ACMG categories: PM1,PM2,PP3,PP5

Neurology Department, Shenzhen Children's Hospital
Classification: Pathogenic for Developmental and epileptic encephalopathy. Last evaluated: 2022-02-16. Review status: no assertion criteria provided. Collection method: clinical testing. Allele origin: de novo. Affected: yes. Not counted in ClinVar's aggregate classification.

Literature cited by the submitters: PubMed 35431799 (cited by Center for Genomics, Ann and Robert H. Lurie Children's Hospital of Chicago); PubMed 32183904 (cited by Center for Genomics, Ann and Robert H. Lurie Children's Hospital of Chicago).

NM_001040142.2(SCN2A):c.4454G>A (p.Gly1485Asp)

Gene: SCN2A (sodium voltage-gated channel alpha subunit 2; plus strand). Cytogenetic location: 2q24.3.
Variant type: single nucleotide variant.
Coding change: c.4454G>A on transcript NM_001040142.2 (MANE Select); coding-DNA position 4454, G replaced by A.
Protein change: p.Gly1485Asp; replaces glycine 1485 with aspartic acid.
Molecular consequence: missense variant.
Genome position (GRCh38, 1-based): chr2:165,381,100, G>A. VCF-style: chr2-165381100-G-A. GRCh37 (hg19) VCF-style: chr2-166237610-G-A.
Other names: c.4454G>A, p.Gly1485Asp (NM_001040143.2, NM_001371246.1, NM_001371247.1 and 1 more transcripts); short protein forms G1485D.
Identifiers: ClinVar variation 1342672 (VCV001342672.6), dbSNP rs1701579057, ClinGen allele CA349034525.